The following is an entry in ClinVar:

ClinVar aggregate classification (germline): Uncertain significance (1 of 4 stars; one submission).

Submission:

Labcorp Genetics (formerly Invitae), Labcorp
Classification: Uncertain significance. Last evaluated: 2024-04-25. Review status: criteria provided, single submitter. Criteria: Invitae Variant Classification Sherloc (09022015). Collection method: clinical testing. Allele origin: germline.
Comment: This sequence change replaces isoleucine, which is neutral and non-polar, with valine, which is neutral and non-polar, at codon 395 of the PDE6B protein (p.Ile395Val). This variant is not present in population databases (gnomAD no frequency). This variant has not been reported in the literature in individuals affected with PDE6B-related conditions. ClinVar contains an entry for this variant (Variation ID: 1361660). Advanced modeling of protein sequence and biophysical properties (such as structural, functional, and spatial information, amino acid conservation, physicochemical variation, residue mobility, and thermodynamic stability) performed at Invitae indicates that this missense variant is not expected to disrupt PDE6B protein function with a negative predictive value of 80%. In summary, the available evidence is currently insufficient to determine the role of this variant in disease. Therefore, it has been classified as a Variant of Uncertain Significance.

NM_000283.4(PDE6B):c.1183A>G (p.Ile395Val)

Gene: PDE6B (phosphodiesterase 6B; plus strand). Cytogenetic location: 4p16.3.
Variant type: single nucleotide variant.
Coding change: c.1183A>G on transcript NM_000283.4 (MANE Select); coding-DNA position 1183, A replaced by G.
Protein change: p.Ile395Val; replaces isoleucine 395 with valine.
Molecular consequence: missense variant.
Genome position (GRCh38, 1-based): chr4:656,949, A>G. VCF-style: chr4-656949-A-G. GRCh37 (hg19) VCF-style: chr4-650738-A-G.
Other names: c.1183A>G, p.Ile395Val (NM_001145291.2); c.346A>G, p.Ile116Val (NM_001145292.2, NM_001350154.3, NM_001379246.1 and 1 more transcripts); c.28A>G, p.Ile10Val (NM_001350155.3); short protein forms I395V, I116V, I10V.
Identifiers: ClinVar variation 1361660 (VCV001361660.8), dbSNP rs2109214772, ClinGen allele CA355913250.